The following is an entry in ClinVar:

NM_001348323.3(TRIP12):c.3158C>T (p.Pro1053Leu)

Gene: TRIP12 (thyroid hormone receptor interactor 12; minus strand). Cytogenetic location: 2q36.3.
Variant type: single nucleotide variant.
Coding change: c.3158C>T on transcript NM_001348323.3 (MANE Select); coding-DNA position 3158, C replaced by T.
Protein change: p.Pro1053Leu; replaces proline 1053 with leucine.
Molecular consequence: missense variant.
Genome position (GRCh38, 1-based): chr2:229,802,300, G>A on the plus strand (C>T on the coding strand, the complement: TRIP12 is on the minus strand). VCF-style: chr2-229802300-G-A. GRCh37 (hg19) VCF-style: chr2-230667016-G-A.
Other names: c.3158C>T, p.Pro1053Leu (NM_001348320.2, NM_001348322.1, NM_001348324.2 and 4 more transcripts); c.3161C>T, p.Pro1054Leu (NM_001348321.1, NM_001348328.1, NM_001348329.2 and 1 more transcripts); c.3077C>T, p.Pro1026Leu (NM_001284214.2, NM_001348315.2); c.3032C>T, p.Pro1011Leu (NM_001284215.2, NM_001348316.2, NM_001348317.1 and 1 more transcripts); c.2123C>T, p.Pro708Leu (NM_001284216.2); c.2951C>T, p.Pro984Leu (NM_001348331.1); c.3071C>T, p.Pro1024Leu (NM_001348332.1); c.3080C>T, p.Pro1027Leu (NM_001348333.1); and 1 more; short protein forms P1011L, P1024L, P1026L, P1027L, P1053L, P1054L, P708L, P978L.
Identifiers: ClinVar variation 4848200 (VCV004848200.1).

ClinVar aggregate classification (germline): Uncertain significance (1 of 4 stars; one submission).

Submission:

Women's Health and Genetics/Laboratory Corporation of America, LabCorp
Classification: Uncertain significance. Last evaluated: 2026-02-20. Review status: criteria provided, single submitter. Criteria: LabCorp Variant Classification Summary - May 2015. Collection method: clinical testing. Allele origin: germline.
Comment: Variant summary: TRIP12 c.3158C>T (p.Pro1053Leu) results in a non-conservative amino acid change in the encoded protein sequence. Algorithms developed to predict the effect of missense changes on protein structure and function are either unavailable or do not agree on the potential impact of this missense change. The variant was absent in 250698 control chromosomes. The available data on variant occurrences in the general population are insufficient to allow any conclusion about variant significance. To our knowledge, no occurrence of c.3158C>T in individuals affected with TRIP12-related conditions and no experimental evidence demonstrating its impact on protein function have been reported. No submitters have cited clinical-significance assessments for this variant to ClinVar. Based on the evidence outlined above, the variant was classified as uncertain significance.